The following is an entry in ClinVar:

NM_001378789.1(CERS3):c.174-2A>G

Gene: CERS3 (ceramide synthase 3; minus strand). Cytogenetic location: 15q26.3.
Variant type: single nucleotide variant.
Coding change: c.174-2A>G on transcript NM_001378789.1 (MANE Select); the canonical splice acceptor site of the intron before coding-DNA position 174, A replaced by G.
Molecular consequence: splice acceptor variant.
Genome position (GRCh38, 1-based): chr15:100,490,933, T>C on the plus strand (A>G on the coding strand, the complement: CERS3 is on the minus strand). VCF-style: chr15-100490933-T-C. GRCh37 (hg19) VCF-style: chr15-101031138-T-C.
Other names: c.174-2A>G (NM_178842.5, NM_001290343.2, NM_001290342.2); c.207-2A>G (NM_001290341.2).
Identifiers: ClinVar variation 4728363 (VCV004728363.1).

ClinVar aggregate classification (germline): Likely pathogenic (1 of 4 stars; one submission).

gnomAD v4.1: 10 of 1,559,918 alleles (0.00064%); highest among the groups gnomAD compares: Non-Finnish European, 0.00087%; no homozygotes.

Submission:

Labcorp Genetics (formerly Invitae), Labcorp
Classification: Likely pathogenic. Last evaluated: 2025-10-02. Review status: criteria provided, single submitter. Criteria: Invitae Variant Classification Sherloc (09022015). Collection method: clinical testing. Allele origin: germline.
Comment: This sequence change affects an acceptor splice site in intron 4 of the CERS3 gene. It is expected to disrupt RNA splicing. Variants that disrupt the donor or acceptor splice site typically lead to a loss of protein function (PMID: 16199547), and loss-of-function variants in CERS3 are known to be pathogenic (PMID: 23754960, 28875980, 30578701). The frequency data for this variant in the population databases is considered unreliable, as metrics indicate poor data quality at this position in the gnomAD database. This variant has not been reported in the literature in individuals affected with CERS3-related conditions. Algorithms developed to predict the effect of sequence changes on RNA splicing suggest that this variant may disrupt the consensus splice site. In summary, the currently available evidence indicates that the variant is pathogenic, but additional data are needed to prove that conclusively. Therefore, this variant has been classified as Likely Pathogenic.

Literature cited by the submitters: PubMed 16199547; PubMed 23754960; PubMed 28875980; PubMed 30578701.